The following is an entry in ClinVar:

NM_020297.4(ABCC9):c.2019+2T>C

Gene: ABCC9 (ATP binding cassette subfamily C member 9; minus strand). Cytogenetic location: 12p12.1.
Variant type: single nucleotide variant.
Coding change: c.2019+2T>C on transcript NM_020297.4 (MANE Select); the canonical splice donor site of the intron after coding-DNA position 2019, T replaced by C.
Molecular consequence: splice donor variant.
Genome position (GRCh38, 1-based): chr12:21,882,764, A>G on the plus strand (T>C on the coding strand, the complement: ABCC9 is on the minus strand). VCF-style: chr12-21882764-A-G. GRCh37 (hg19) VCF-style: chr12-22035698-A-G.
Other names: c.1155+2T>C (NM_001377274.1); c.2019+2T>C (NM_005691.4, NM_001377273.1).
Identifiers: ClinVar variation 487597 (VCV000487597.1), dbSNP rs1555100687, ClinGen allele CA384135003.

ClinVar aggregate classification (germline): Likely pathogenic (0 of 4 stars; one submission).

Conditions:
Wolff-Parkinson-White pattern. Also called: WPW SYNDROME; Auriculoventricular accessory pathway syndrome; False bundle branch block syndrome; Anomalous ventricular excitation syndrome. Identifiers: MedGen C0043202, MONDO:0008685, OMIM 194200, HP:0001716.

Allele frequency attached by ClinVar (database versions not stated): gnomAD exomes below 0.00001.
gnomAD v4.1: 1 of 1,603,364 alleles (0.000062%); highest among the groups gnomAD compares: Non-Finnish European, 0.000085%; no homozygotes.

Submission:

Lupski Lab, Baylor-Hopkins CMG, Baylor College of Medicine
Classification: Likely pathogenic for Wolff-Parkinson-White pattern. Last evaluated: 2017-07-14. Review status: no assertion criteria provided. Collection method: research. Allele origin: unknown. Affected: yes. Observed: 1 variant allele. Study: Candidate_variants_in_patients_with_ Wolff-Parkinson-White Syndrome.